The following is an entry in ClinVar:

NC_000011.9:g.(?_1774733)_(1778806_?)dup

Gene: CTSD (cathepsin D; minus strand). Cytogenetic location: 11p15.5.
Variant type: Duplication.
Identifiers: ClinVar variation 1387401 (VCV001387401.5).

ClinVar aggregate classification (germline): Uncertain significance (1 of 4 stars; one submission).

Conditions:
Neuronal ceroid lipofuscinosis. Also called: Neuronal Ceroid Lipofuscinoses. Identifiers: Orphanet 216, Orphanet 79263, MedGen C0027877, MONDO:0016295. Disease mechanism: loss of function.

Submission:

Labcorp Genetics (formerly Invitae), Labcorp
Classification: Uncertain significance for Neuronal ceroid lipofuscinosis. Last evaluated: 2022-08-23. Review status: criteria provided, single submitter. Criteria: Invitae Variant Classification Sherloc (09022015). Collection method: clinical testing. Allele origin: germline.
Comment: This variant results in a copy number gain of the genomic region encompassing exon(s) 5-9 of the CTSD gene. This region includes the termination codon of the gene. This copy number gain extends beyond the assayed region for this gene and therefore may encompass additional genes. As the precise location of this event is unknown, it may be in tandem or it may be located elsewhere in the genome. This variant has not been reported in the literature in individuals affected with CTSD-related conditions. In summary, the available evidence is currently insufficient to determine the role of this variant in disease. Therefore, it has been classified as a Variant of Uncertain Significance.